The following is an entry in ClinVar:

NM_005227.3(EFNA4):c.425G>T (p.Gly142Val)

Genes: ADAM15-EFNA4 (ADAM15-EFNA4 readthrough; plus strand), EFNA4 (ephrin A4; plus strand), EFNA4-EFNA3 (EFNA4-EFNA3 readthrough; plus strand). Cytogenetic location: 1q21.3.
Variant type: single nucleotide variant.
Coding change: c.425G>T on transcript NM_005227.3 (MANE Select); coding-DNA position 425, G replaced by T.
Protein change: p.Gly142Val; replaces glycine 142 with valine.
Molecular consequence: missense variant.
Genome position (GRCh38, 1-based): chr1:155,067,396, G>T. VCF-style: chr1-155067396-G-T. GRCh37 (hg19) VCF-style: chr1-155039872-G-T.
Other names: c.425G>T, p.Gly142Val (NM_182689.2, NM_182690.3); short protein forms G142V.
Identifiers: ClinVar variation 1362628 (VCV001362628.6), dbSNP rs2102443869, ClinGen allele CA342649752.

ClinVar aggregate classification (germline): Uncertain significance (1 of 4 stars; one submission).

Submission:

Labcorp Genetics (formerly Invitae), Labcorp
Classification: Uncertain significance. Last evaluated: 2021-09-20. Review status: criteria provided, single submitter. Criteria: Invitae Variant Classification Sherloc (09022015). Collection method: clinical testing. Allele origin: germline.
Comment: In summary, the available evidence is currently insufficient to determine the role of this variant in disease. Therefore, it has been classified as a Variant of Uncertain Significance. Algorithms developed to predict the effect of missense changes on protein structure and function are either unavailable or do not agree on the potential impact of this missense change (SIFT: "Deleterious"; PolyPhen-2: "Probably Damaging"; Align-GVGD: "Class C0"). This variant has not been reported in the literature in individuals affected with EFNA4-related conditions. This variant is not present in population databases (ExAC no frequency). This sequence change replaces glycine with valine at codon 142 of the EFNA4 protein (p.Gly142Val). The glycine residue is moderately conserved and there is a moderate physicochemical difference between glycine and valine.